The following is an entry in ClinVar:

ClinVar aggregate classification (germline): Uncertain significance (1 of 4 stars; one submission).

Conditions:
Developmental and epileptic encephalopathy, 31A. Also called: Epileptic encephalopathy, early infantile, 31; Developmental and epileptic encephalopathy, 31. Identifiers: Orphanet 2382, MedGen C4225357, MONDO:0014598, OMIM 616346.

Submission:

Labcorp Genetics (formerly Invitae), Labcorp
Classification: Uncertain significance for Developmental and epileptic encephalopathy, 31A. Last evaluated: 2023-09-15. Review status: criteria provided, single submitter. Criteria: Invitae Variant Classification Sherloc (09022015). Collection method: clinical testing. Allele origin: germline.
Comment: This sequence change replaces aspartic acid, which is acidic and polar, with asparagine, which is neutral and polar, at codon 136 of the DNM1 protein (p.Asp136Asn). This variant is not present in population databases (gnomAD no frequency). This variant has not been reported in the literature in individuals affected with DNM1-related conditions. Advanced modeling of protein sequence and biophysical properties (such as structural, functional, and spatial information, amino acid conservation, physicochemical variation, residue mobility, and thermodynamic stability) performed at Invitae indicates that this missense variant is expected to disrupt DNM1 protein function. In summary, the available evidence is currently insufficient to determine the role of this variant in disease. Therefore, it has been classified as a Variant of Uncertain Significance.

NM_004408.4(DNM1):c.406G>A (p.Asp136Asn)

Genes: DNM1 (dynamin 1; plus strand), LOC113839516 (Sharpr-MPRA regulatory region 8497; plus strand). Cytogenetic location: 9q34.11.
Variant type: single nucleotide variant.
Coding change: c.406G>A on transcript NM_004408.4 (MANE Select); coding-DNA position 406, G replaced by A.
Protein change: p.Asp136Asn; replaces aspartic acid 136 with asparagine.
Molecular consequence: missense variant.
Genome position (GRCh38, 1-based): chr9:128,219,069, G>A. VCF-style: chr9-128219069-G-A. GRCh37 (hg19) VCF-style: chr9-130981348-G-A.
Other names: c.406G>A, p.Asp136Asn (NM_001005336.3, NM_001288737.2, NM_001288738.2 and 2 more transcripts); short protein forms D136N.
Identifiers: ClinVar variation 2760872 (VCV002760872.3), dbSNP rs2538979349, ClinGen allele CA375010906.